The following is an entry in ClinVar:

NM_001165963.4(SCN1A):c.1911G>A (p.Ala637=)

Gene: SCN1A (sodium voltage-gated channel alpha subunit 1; minus strand). Cytogenetic location: 2q24.3.
Variant type: single nucleotide variant.
Coding change: c.1911G>A on transcript NM_001165963.4 (MANE Select); coding-DNA position 1911, G replaced by A.
Protein change: p.Ala637=; no amino-acid change (alanine 637 retained).
Molecular consequence: synonymous variant. On other transcripts: 5 prime UTR variant (1), non-coding transcript variant (1).
Genome position (GRCh38, 1-based): chr2:166,043,801, C>T on the plus strand (G>A on the coding strand, the complement: SCN1A is on the minus strand). VCF-style: chr2-166043801-C-T. GRCh37 (hg19) VCF-style: chr2-166900311-C-T.
Other names: c.1911G>A, p.Ala637= (NM_001165964.3, NM_001202435.3, NM_001353948.2 and 7 more transcripts); c.1908G>A, p.Ala636= (NM_001353954.2, NM_001353955.2, NM_001353960.2); c.-515G>A (NM_001353961.2).
Identifiers: ClinVar variation 517039 (VCV000517039.11), dbSNP rs192102141, ClinGen allele CA1943231.

ClinVar aggregate classification (germline): Likely benign. Review status: criteria provided, multiple submitters, no conflicts (2 of 4 stars). 2 submissions from 2 submitters: Likely benign (2). Last evaluated 2025-09-10.

Conditions:
Early-infantile DEE. Also called: Early infantile epileptic encephalopathy with suppression bursts; Ohtahara syndrome; Early infantile epileptic encephalopathy. Identifiers: Orphanet 1934, MedGen C0393706, MONDO:0800491.

Allele frequency attached by ClinVar (database versions not stated): gnomAD 0.00002 and 0.00003; gnomAD exomes 0.00002; TOPMed 0.00002; ExAC 0.00003; ESP Exome Variant Server 0.00008; 1000 Genomes Project 30x 0.00016; 1000 Genomes Project 0.00020.
gnomAD v4.1: 26 of 1,614,178 alleles (0.0016%); highest among the groups gnomAD compares: African/African-American, 0.0027%; no homozygotes.

Submissions (2):

Labcorp Genetics (formerly Invitae), Labcorp
Classification: Likely benign for Early-infantile DEE. Last evaluated: 2025-09-10. Review status: criteria provided, single submitter. Criteria: Invitae Variant Classification Sherloc (09022015). Collection method: clinical testing. Allele origin: germline.

GeneDx
Classification: Likely benign. Last evaluated: 2017-10-27. Review status: criteria provided, single submitter. Criteria: GeneDx Variant Classification (06012015). Collection method: clinical testing. Allele origin: germline. Affected: yes.
Comment: This variant is considered likely benign or benign based on one or more of the following criteria: it is a conservative change, it occurs at a poorly conserved position in the protein, it is predicted to be benign by multiple in silico algorithms, and/or has population frequency not consistent with disease.